The following is an entry in ClinVar:

NM_017662.5(TRPM6):c.4935G>A (p.Met1645Ile)

Gene: TRPM6 (transient receptor potential cation channel subfamily M member 6; minus strand). Cytogenetic location: 9q21.13.
Variant type: single nucleotide variant.
Coding change: c.4935G>A on transcript NM_017662.5 (MANE Select); coding-DNA position 4935, G replaced by A.
Protein change: p.Met1645Ile; replaces methionine 1645 with isoleucine.
Molecular consequence: missense variant.
Genome position (GRCh38, 1-based): chr9:74,752,340, C>T on the plus strand (G>A on the coding strand, the complement: TRPM6 is on the minus strand). VCF-style: chr9-74752340-C-T. GRCh37 (hg19) VCF-style: chr9-77367256-C-T.
Other names: c.4920G>A, p.Met1640Ile (NM_001177310.2, NM_001177311.2); short protein forms M1645I, M1640I.
Identifiers: ClinVar variation 3630214 (VCV003630214.2).

ClinVar aggregate classification (germline): Uncertain significance (1 of 4 stars; one submission).

Submission:

Labcorp Genetics (formerly Invitae), Labcorp
Classification: Uncertain significance. Last evaluated: 2024-10-25. Review status: criteria provided, single submitter. Criteria: Invitae Variant Classification Sherloc (09022015). Collection method: clinical testing. Allele origin: germline.
Comment: This sequence change replaces methionine, which is neutral and non-polar, with isoleucine, which is neutral and non-polar, at codon 1645 of the TRPM6 protein (p.Met1645Ile). This variant is not present in population databases (gnomAD no frequency). This variant has not been reported in the literature in individuals affected with TRPM6-related conditions. An algorithm developed to predict the effect of missense changes on protein structure and function outputs the following: PolyPhen-2: "Benign". The isoleucine amino acid residue is found in multiple mammalian species, which suggests that this missense change does not adversely affect protein function. In summary, the available evidence is currently insufficient to determine the role of this variant in disease. Therefore, it has been classified as a Variant of Uncertain Significance.